The following is an entry in ClinVar:

NM_152564.5(VPS13B):c.2934+14A>T

Gene: VPS13B (vacuolar protein sorting 13 homolog B; plus strand). Cytogenetic location: 8q22.2.
Variant type: single nucleotide variant.
Coding change: c.2934+14A>T on transcript NM_152564.5 (MANE Select); 14 bases into the intron after coding-DNA position 2934, A replaced by T.
Molecular consequence: intron variant.
Genome position (GRCh38, 1-based): chr8:99,384,331, A>T. VCF-style: chr8-99384331-A-T. GRCh37 (hg19) VCF-style: chr8-100396559-A-T.
Other names: c.2934+14A>T (NM_017890.5).
Identifiers: ClinVar variation 361052 (VCV000361052.18), dbSNP rs187151724, ClinGen allele CA4823097.

ClinVar aggregate classification (germline): Benign/Likely benign. Review status: criteria provided, multiple submitters, no conflicts (2 of 4 stars). 8 submissions from 8 submitters: Benign (7); Likely benign (1). Last evaluated 2026-02-04.

Conditions:
Cohen syndrome (COH1). Also called: PEPPER SYNDROME; Cutis verticis gyrata, retinitis pigmentosa, and sensorineural deafness. Identifiers: Orphanet 193, MedGen C0265223, MONDO:0008999, OMIM 216550.

Allele frequency attached by ClinVar (database versions not stated): ESP Exome Variant Server 0.00546; TOPMed 0.00650; gnomAD 0.00690 and 0.00802; gnomAD exomes 0.01091; 1000 Genomes Project 0.01138; 1000 Genomes Project 30x 0.01140; ExAC 0.01140.
gnomAD v4.1: 15,719 of 1,599,654 alleles (0.98%); highest among the groups gnomAD compares: South Asian, 3.8%; 167 homozygotes.

Submissions (8):

Labcorp Genetics (formerly Invitae), Labcorp
Classification: Benign for Cohen syndrome. Last evaluated: 2026-02-04. Review status: criteria provided, single submitter. Criteria: Invitae Variant Classification Sherloc (09022015). Collection method: clinical testing. Allele origin: germline.

Blueprint Genetics
Classification: Likely benign. Last evaluated: 2024-11-27. Review status: criteria provided, single submitter. Criteria: ACMG Guidelines, 2015. Collection method: clinical testing. Allele origin: germline.

Illumina Laboratory Services, Illumina
Classification: Benign for Cohen syndrome. Last evaluated: 2018-01-13. Review status: criteria provided, single submitter. Criteria: ICSL Variant Classification Criteria 13 December 2019. Collection method: clinical testing. Allele origin: germline.
Comment: This variant was observed in the ICSL laboratory as part of a predisposition screen in an ostensibly healthy population. It had not been previously curated by ICSL or reported in the Human Gene Mutation Database (HGMD: prior to June 1st, 2018), and was therefore a candidate for classification through an automated scoring system. Utilizing variant allele frequency, disease prevalence and penetrance estimates, and inheritance mode, an automated score was calculated to assess if this variant is too frequent to cause the disease. Based on the score and internal cut-off values, a variant classified as benign is not then subjected to further curation. The score for this variant resulted in a classification of benign for this disease.

Women's Health and Genetics/Laboratory Corporation of America, LabCorp
Classification: Benign. Last evaluated: 2017-09-18. Review status: criteria provided, single submitter. Criteria: LabCorp Variant Classification Summary - May 2015. Collection method: clinical testing. Allele origin: germline.
Comment: Variant summary: c.2934+14A>T in VPS13B gene is an intronic change that involves a non-conserved nucleotide. 5/5 programs in Alamut predict that this variant does not affect a normal splicing, however no functional studies supporting this notion were published at the time of evaluation. The variant is present in the control population dataset of ExAC at frequency of 0.0114 (1356/118948 chrs tested, including 23 homozygotes), predominantly in individuals of South Asian descent (0.036; 594/16406 chrs tested). The observed frequency greatly exceeds the maximum expected allele frequency for a pathogenic variant of 0.0025, suggesting that it is likely to be a common polymorphism. The variant of interest has not, to our knowledge, been reported in affected individuals in published reports but is cited as Likely Benign by reputable database/clinical laboratory. Taking together, the variant was classified as Benign.

Clinical Genetics DNA and cytogenetics Diagnostics Lab, Erasmus MC, Erasmus Medical Center
Classification: Benign for Cohen syndrome. Last evaluated: 2017-05-31. Review status: criteria provided, single submitter. Criteria: ACGS Guidelines, 2013. Collection method: clinical testing. Allele origin: germline. Affected: yes. Study: VKGL Data-share Consensus.

GeneDx
Classification: Benign. Last evaluated: 2015-03-03. Review status: criteria provided, single submitter. Criteria: GeneDx Variant Classification Process June 2021. Collection method: clinical testing. Allele origin: germline. Affected: yes.

Genome Diagnostics Laboratory, University Medical Center Utrecht
Classification: Benign for Cohen syndrome. Last evaluated: 2014-10-09. Review status: criteria provided, single submitter. Criteria: ACGS Guidelines, 2013. Collection method: clinical testing. Allele origin: germline. Affected: yes. Study: VKGL Data-share Consensus.

Breakthrough Genomics
Classification: Benign. Review status: criteria provided, single submitter. Criteria: ACMG Guidelines, 2015. Collection method: not provided. Allele origin: germline. Inheritance: Autosomal recessive inheritance. Affected: yes.